The following is an entry in ClinVar:

NM_005896.4(IDH1):c.1147T>A (p.Leu383Ile)

Gene: IDH1 (isocitrate dehydrogenase (NADP(+)) 1; minus strand). Cytogenetic location: 2q34.
Variant type: single nucleotide variant.
Coding change: c.1147T>A on transcript NM_005896.4 (MANE Select); coding-DNA position 1147, T replaced by A.
Protein change: p.Leu383Ile; replaces leucine 383 with isoleucine.
Molecular consequence: missense variant.
Genome position (GRCh38, 1-based): chr2:208,239,078, A>T on the plus strand (T>A on the coding strand, the complement: IDH1 is on the minus strand). VCF-style: chr2-208239078-A-T. GRCh37 (hg19) VCF-style: chr2-209103802-A-T.
Other names: c.1147T>A, p.Leu383Ile (NM_001282386.1, NM_001282387.1); short protein forms L383I.
Identifiers: ClinVar variation 3527510 (VCV003527510.1).

ClinVar aggregate classification (germline): Uncertain significance (1 of 4 stars; one submission).

Submission:

Ambry Genetics
Classification: Uncertain significance. Last evaluated: 2024-08-21. Review status: criteria provided, single submitter. Criteria: Ambry Variant Classification Scheme 2023. Collection method: clinical testing. Allele origin: germline.
Comment: The p.L383I variant (also known as c.1147T>A), located in coding exon 7 of the IDH1 gene, results from a T to A substitution at nucleotide position 1147. The leucine at codon 383 is replaced by isoleucine, an amino acid with highly similar properties. This amino acid position is conserved. In addition, the in silico prediction for this alteration is inconclusive. Based on the available evidence, the clinical significance of this variant remains unclear.